The following is an entry in ClinVar:

NM_004525.3(LRP2):c.13610A>G (p.Gln4537Arg)

Gene: LRP2 (LDL receptor related protein 2; minus strand). Cytogenetic location: 2q31.1.
Variant type: single nucleotide variant.
Coding change: c.13610A>G on transcript NM_004525.3 (MANE Select); coding-DNA position 13610, A replaced by G.
Protein change: p.Gln4537Arg; replaces glutamine 4537 with arginine.
Molecular consequence: missense variant.
Genome position (GRCh38, 1-based): chr2:169,137,402, T>C on the plus strand (A>G on the coding strand, the complement: LRP2 is on the minus strand). VCF-style: chr2-169137402-T-C. GRCh37 (hg19) VCF-style: chr2-169993912-T-C.
Other names: short protein forms Q4537R.
Identifiers: ClinVar variation 1063498 (VCV001063498.8), dbSNP rs188918037, ClinGen allele CA349152581.

ClinVar aggregate classification (germline): Uncertain significance (1 of 4 stars; one submission).

Submission:

Labcorp Genetics (formerly Invitae), Labcorp
Classification: Uncertain significance. Last evaluated: 2024-10-15. Review status: criteria provided, single submitter. Criteria: Invitae Variant Classification Sherloc (09022015). Collection method: clinical testing. Allele origin: germline.
Comment: This sequence change replaces glutamine, which is neutral and polar, with arginine, which is basic and polar, at codon 4537 of the LRP2 protein (p.Gln4537Arg). This variant is not present in population databases (gnomAD no frequency). This variant has not been reported in the literature in individuals affected with LRP2-related conditions. ClinVar contains an entry for this variant (Variation ID: 1063498). Invitae Evidence Modeling of protein sequence and biophysical properties (such as structural, functional, and spatial information, amino acid conservation, physicochemical variation, residue mobility, and thermodynamic stability) indicates that this missense variant is not expected to disrupt LRP2 protein function with a negative predictive value of 95%. In summary, the available evidence is currently insufficient to determine the role of this variant in disease. Therefore, it has been classified as a Variant of Uncertain Significance.